The following is an entry in ClinVar:

NM_020919.4(ALS2):c.3395G>A (p.Arg1132His)

Gene: ALS2 (alsin Rho guanine nucleotide exchange factor ALS2; minus strand). Cytogenetic location: 2q33.1.
Variant type: single nucleotide variant.
Coding change: c.3395G>A on transcript NM_020919.4 (MANE Select); coding-DNA position 3395, G replaced by A.
Protein change: p.Arg1132His; replaces arginine 1132 with histidine.
Molecular consequence: missense variant.
Genome position (GRCh38, 1-based): chr2:201,724,412, C>T on the plus strand (G>A on the coding strand, the complement: ALS2 is on the minus strand). VCF-style: chr2-201724412-C-T. GRCh37 (hg19) VCF-style: chr2-202589135-C-T.
Other names: short protein forms R1132H.
Identifiers: ClinVar variation 1398138 (VCV001398138.6), dbSNP rs753713733, ClinGen allele CA2057890.

ClinVar aggregate classification (germline): Uncertain significance (1 of 4 stars; one submission).

Conditions:
Infantile-onset ascending hereditary spastic paralysis (IAHSP). Also called: Infantile-Onset Ascending Hereditary Spastic Paralysis (IAHSP); Autosomal Recessive Juvenile Amyotrophic Lateral Sclerosis. Identifiers: Orphanet 293168, MedGen C2931441, MONDO:0011797, OMIM 607225. Disease mechanism: loss of function.

Allele frequency attached by ClinVar (database versions not stated): gnomAD exomes 0.00001 and 0.00003; TOPMed 0.00002; ExAC 0.00003.
gnomAD v4.1: 14 of 1,613,944 alleles (0.00087%); highest among the groups gnomAD compares: Admixed American, 0.0067%; no homozygotes.

Submission:

Labcorp Genetics (formerly Invitae), Labcorp
Classification: Uncertain significance for Infantile-onset ascending hereditary spastic paralysis. Last evaluated: 2021-09-27. Review status: criteria provided, single submitter. Criteria: Invitae Variant Classification Sherloc (09022015). Collection method: clinical testing. Allele origin: germline.
Comment: Algorithms developed to predict the effect of missense changes on protein structure and function are either unavailable or do not agree on the potential impact of this missense change (SIFT: "Tolerated"; PolyPhen-2: "Probably Damaging"; Align-GVGD: "Class C0"). In summary, the available evidence is currently insufficient to determine the role of this variant in disease. Therefore, it has been classified as a Variant of Uncertain Significance. This variant has not been reported in the literature in individuals affected with ALS2-related conditions. This variant is present in population databases (rs753713733, ExAC 0.009%). This sequence change replaces arginine with histidine at codon 1132 of the ALS2 protein (p.Arg1132His). The arginine residue is highly conserved and there is a small physicochemical difference between arginine and histidine.